The following is an entry in ClinVar:

ClinVar aggregate classification (germline): Uncertain significance. Review status: criteria provided, multiple submitters, no conflicts (2 of 4 stars). 2 submissions from 2 submitters: Uncertain significance (2). Last evaluated 2025-11-08.

Allele frequency attached by ClinVar (database versions not stated): TOPMed 0.00003; ExAC 0.00005.
gnomAD v4.1: 17 of 1,614,126 alleles (0.0011%); highest among the groups gnomAD compares: Admixed American, 0.027%; no homozygotes.

Submissions (2):

Labcorp Genetics (formerly Invitae), Labcorp
Classification: Uncertain significance. Last evaluated: 2025-11-08. Review status: criteria provided, single submitter. Criteria: Invitae Variant Classification Sherloc (09022015). Collection method: clinical testing. Allele origin: germline.
Comment: This sequence change replaces alanine, which is neutral and non-polar, with threonine, which is neutral and polar, at codon 35 of the DNAJC17 protein (p.Ala35Thr). This variant is present in population databases (rs757060248, gnomAD 0.04%). This variant has not been reported in the literature in individuals affected with DNAJC17-related conditions. ClinVar contains an entry for this variant (Variation ID: 1929859). An algorithm developed to predict the effect of missense changes on protein structure and function (PolyPhen-2) suggests that this variant is likely to be disruptive. In summary, the available evidence is currently insufficient to determine the role of this variant in disease. Therefore, it has been classified as a Variant of Uncertain Significance.

Ambry Genetics
Classification: Uncertain significance. Last evaluated: 2025-02-10. Review status: criteria provided, single submitter. Criteria: Ambry Variant Classification Scheme 2023. Collection method: clinical testing. Allele origin: germline.

NM_018163.3(DNAJC17):c.103G>A (p.Ala35Thr)

Gene: DNAJC17 (DnaJ heat shock protein family (Hsp40) member C17; minus strand). Cytogenetic location: 15q15.1.
Variant type: single nucleotide variant.
Coding change: c.103G>A on transcript NM_018163.3 (MANE Select); coding-DNA position 103, G replaced by A.
Protein change: p.Ala35Thr; replaces alanine 35 with threonine.
Molecular consequence: missense variant.
Genome position (GRCh38, 1-based): chr15:40,779,973, C>T on the plus strand (G>A on the coding strand, the complement: DNAJC17 is on the minus strand). VCF-style: chr15-40779973-C-T. GRCh37 (hg19) VCF-style: chr15-41072171-C-T.
Other names: c.103G>A (NM_018163.2); short protein forms A35T.
Identifiers: ClinVar variation 1929859 (VCV001929859.6), dbSNP rs757060248, ClinGen allele CA7485313.
Genomic context (GRCh38, chr15:40,779,973, plus strand): 5'-TGAGAAGAGTCTCACCTGCTCTGGGATTATCTGGATTTTTGTCTGGGTGGCAGGAGAGGG[C>T]CTTCTGCCTATACGCCTTCTTTACCTGGAAGAGTCAGACAGAAGACATGGCCATTCACTC-3'
Protein context (NP_060633.1, residues 25-45): KEVKKAYRQK[Ala35Thr]LSCHPDKNPD